The following is an entry in ClinVar:

ClinVar aggregate classification (germline): Uncertain significance (1 of 4 stars; one submission).

Submission:

Labcorp Genetics (formerly Invitae), Labcorp
Classification: Uncertain significance. Last evaluated: 2023-11-11. Review status: criteria provided, single submitter. Criteria: Invitae Variant Classification Sherloc (09022015). Collection method: clinical testing. Allele origin: germline.
Comment: This sequence change replaces serine, which is neutral and polar, with cysteine, which is neutral and slightly polar, at codon 139 of the GALNT12 protein (p.Ser139Cys). This variant is not present in population databases (gnomAD no frequency). This variant has not been reported in the literature in individuals affected with GALNT12-related conditions. Advanced modeling of protein sequence and biophysical properties (such as structural, functional, and spatial information, amino acid conservation, physicochemical variation, residue mobility, and thermodynamic stability) performed at Invitae indicates that this missense variant is expected to disrupt GALNT12 protein function with a positive predictive value of 80%. In summary, the available evidence is currently insufficient to determine the role of this variant in disease. Therefore, it has been classified as a Variant of Uncertain Significance.

NM_024642.5(GALNT12):c.416C>G (p.Ser139Cys)

Gene: GALNT12 (polypeptide N-acetylgalactosaminyltransferase 12; plus strand). Cytogenetic location: 9q22.33.
Variant type: single nucleotide variant.
Coding change: c.416C>G on transcript NM_024642.5 (MANE Select); coding-DNA position 416, C replaced by G.
Protein change: p.Ser139Cys; replaces serine 139 with cysteine.
Molecular consequence: missense variant.
Genome position (GRCh38, 1-based): chr9:98,823,300, C>G. VCF-style: chr9-98823300-C-G. GRCh37 (hg19) VCF-style: chr9-101585582-C-G.
Other names: short protein forms S139C.
Identifiers: ClinVar variation 2695109 (VCV002695109.3), dbSNP rs2118354843, ClinGen allele CA374216617.